The following is an entry in ClinVar:

NM_000051.4(ATM):c.34T>C (p.Cys12Arg)

Gene: ATM (ATM serine/threonine kinase; plus strand). Cytogenetic location: 11q22.3.
Variant type: single nucleotide variant.
Coding change: c.34T>C on transcript NM_000051.4 (MANE Select); coding-DNA position 34, T replaced by C.
Protein change: p.Cys12Arg; replaces cysteine 12 with arginine.
Molecular consequence: missense variant.
Genome position (GRCh38, 1-based): chr11:108,227,658, T>C. VCF-style: chr11-108227658-T-C. GRCh37 (hg19) VCF-style: chr11-108098385-T-C.
Other names: c.34T>C, p.Cys12Arg (NM_001351834.2, NM_001351835.2, NM_001351836.2); short protein forms C12R.
Identifiers: ClinVar variation 407554 (VCV000407554.9), dbSNP rs1060501597, ClinGen allele CA16613042.

ClinVar aggregate classification (germline): Uncertain significance. Review status: criteria provided, multiple submitters, no conflicts (2 of 4 stars). 2 submissions from 2 submitters: Uncertain significance (2). Last evaluated 2026-06-29.

Conditions:
Hereditary cancer-predisposing syndrome. Also called: Neoplastic Syndromes, Hereditary; Hereditary Cancer Syndrome; Tumor predisposition; Hereditary neoplastic syndrome. Identifiers: Orphanet 140162, MedGen C0027672, MeSH D009386, MONDO:0015356.
Ataxia-telangiectasia syndrome (AT). Also called: Cerebello-oculocutaneous telangiectasia; Immunodeficiency with ataxia telangiectasia; LOUIS-BAR SYNDROME; Ataxia-telangiectasia, complementation group E; Ataxia-telangiectasia; ATAXIA-TELANGIECTASIA, COMPLEMENTATION GROUP A. Identifiers: Orphanet 100, MedGen C0004135, MONDO:0008840, OMIM 208900.

Submissions (2):

Ambry Genetics
Classification: Uncertain significance for Hereditary cancer-predisposing syndrome. Last evaluated: 2026-06-29. Review status: criteria provided, single submitter. Criteria: Ambry Variant Classification Scheme 2023. Collection method: clinical testing. Allele origin: germline.
Comment: The p.C12R variant (also known as c.34T>C), located in coding exon 1 of the ATM gene, results from a T to C substitution at nucleotide position 34. The cysteine at codon 12 is replaced by arginine, an amino acid with highly dissimilar properties. In an assay testing ATM function, this variant showed a functionally abnormal result (Lee KS et al. Cell, 2025 Sep;188:5081-5099.e27). This amino acid position is highly conserved in available vertebrate species. In addition, this alteration is predicted to be deleterious by in silico analysis. Based on the available evidence, the clinical significance of this variant remains unclear.

Labcorp Genetics (formerly Invitae), Labcorp
Classification: Uncertain significance for Ataxia-telangiectasia syndrome. Last evaluated: 2016-06-24. Review status: criteria provided, single submitter. Criteria: Invitae Variant Classification Sherloc (09022015). Collection method: clinical testing. Allele origin: germline.
Comment: Algorithms developed to predict the effect of missense changes on protein structure and function (SIFT, PolyPhen-2, Align-GVGD) all suggest that this variant is likely to be disruptive, but these predictions have not been confirmed by published functional studies. In summary, this variant is a rare missense change with uncertain impact on protein function. It is not expected to cause disease, but the available evidence is currently insufficient to prove that conclusively. Therefore, it has been classified as a Variant of Uncertain Significance. This variant is not present in population databases (ExAC no frequency) and has not been reported in the literature in individuals with an ATM-related disease. This sequence change replaces cysteine with arginine at codon 12 of the ATM protein (p.Cys12Arg). The cysteine residue is highly conserved and there is a large physicochemical difference between cysteine and arginine.

Literature cited by the submitters: PubMed 40580951 (cited by Ambry Genetics).